The following is an entry in ClinVar:

ClinVar aggregate classification (germline): Uncertain significance (1 of 4 stars; one submission).

gnomAD v4.1: 1 of 1,613,796 alleles (0.000062%); highest among the groups gnomAD compares: Non-Finnish European, 0.000085%; no homozygotes.

Submission:

Labcorp Genetics (formerly Invitae), Labcorp
Classification: Uncertain significance. Last evaluated: 2025-12-23. Review status: criteria provided, single submitter. Criteria: Invitae Variant Classification Sherloc (09022015). Collection method: clinical testing. Allele origin: germline.
Comment: This sequence change replaces proline, which is neutral and non-polar, with serine, which is neutral and polar, at codon 2953 of the DMXL2 protein (p.Pro2953Ser). This variant is not present in population databases (gnomAD no frequency). This variant has not been reported in the literature in individuals affected with DMXL2-related conditions. An algorithm developed to predict the effect of missense changes on protein structure and function outputs the following: PolyPhen-2: "Benign". The serine amino acid residue is found in multiple mammalian species, which suggests that this missense change does not adversely affect protein function. In summary, the available evidence is currently insufficient to determine the role of this variant in disease. Therefore, it has been classified as a Variant of Uncertain Significance.

NM_001378457.1(DMXL2):c.8920C>T (p.Pro2974Ser)

Genes: DMXL2 (Dmx like 2; minus strand), LOC126862131 (MED14-independent group 3 enhancer GRCh37_chr15:51741640-51742839; plus strand). Cytogenetic location: 15q21.2.
Variant type: single nucleotide variant.
Coding change: c.8920C>T on transcript NM_001378457.1 (MANE Select); coding-DNA position 8920, C replaced by T.
Protein change: p.Pro2974Ser; replaces proline 2974 with serine.
Molecular consequence: missense variant. On other transcripts: non-coding transcript variant (2).
Genome position (GRCh38, 1-based): chr15:51,450,176, G>A on the plus strand (C>T on the coding strand, the complement: DMXL2 is on the minus strand). VCF-style: chr15-51450176-G-A. GRCh37 (hg19) VCF-style: chr15-51742373-G-A.
Other names: c.8857C>T, p.Pro2953Ser (NM_001174116.3); c.6946C>T, p.Pro2316Ser (NM_001174117.3); c.8917C>T, p.Pro2973Ser (NM_001378458.1); c.8632C>T, p.Pro2878Ser (NM_001378459.1); c.6835C>T, p.Pro2279Ser (NM_001378460.1); c.8854C>T, p.Pro2952Ser (NM_015263.5); short protein forms P2316S, P2952S, P2953S, P2974S, P2878S, P2973S, P2279S.
Identifiers: ClinVar variation 4701992 (VCV004701992.1).